The following is an entry in ClinVar:

NM_004168.4(SDHA):c.1598A>G (p.Gln533Arg)

Gene: SDHA (succinate dehydrogenase complex flavoprotein subunit A; plus strand). Cytogenetic location: 5p15.33.
Variant type: single nucleotide variant.
Coding change: c.1598A>G on transcript NM_004168.4 (MANE Select); coding-DNA position 1598, A replaced by G.
Protein change: p.Gln533Arg; replaces glutamine 533 with arginine.
Molecular consequence: missense variant. On other transcripts: intron variant (1).
Genome position (GRCh38, 1-based): chr5:251,038, A>G. VCF-style: chr5-251038-A-G. GRCh37 (hg19) VCF-style: chr5-251153-A-G.
Other names: c.1454A>G, p.Gln485Arg (NM_001294332.2); c.1552-3355A>G (NM_001330758.2); short protein forms Q485R, Q533R.
Identifiers: ClinVar variation 3223722 (VCV003223722.1), dbSNP rs1395387473, ClinGen allele CA358998502.

ClinVar aggregate classification (germline): Uncertain significance (1 of 4 stars; one submission).

Conditions:
Hereditary cancer-predisposing syndrome. Also called: Tumor predisposition; Hereditary neoplastic syndrome; Hereditary Cancer Syndrome; Neoplastic Syndromes, Hereditary. Identifiers: Orphanet 140162, MedGen C0027672, MeSH D009386, MONDO:0015356.

Allele frequency attached by ClinVar (database versions not stated): gnomAD 0.00001.
gnomAD v4.1: 1 of 1,611,902 alleles (0.000062%); highest among the groups gnomAD compares: African/African-American, 0.0013%; no homozygotes.

Submission:

Ambry Genetics
Classification: Uncertain significance for Hereditary cancer-predisposing syndrome. Last evaluated: 2023-09-24. Review status: criteria provided, single submitter. Criteria: Ambry Variant Classification Scheme 2023. Collection method: clinical testing. Allele origin: germline.
Comment: The p.Q533R variant (also known as c.1598A>G), located in coding exon 12 of the SDHA gene, results from an A to G substitution at nucleotide position 1598. The glutamine at codon 533 is replaced by arginine, an amino acid with highly similar properties. This amino acid position is conserved. In addition, this alteration is predicted to be tolerated by in silico analysis. Since supporting evidence is limited at this time, the clinical significance of this alteration remains unclear.